The following is an entry in ClinVar:

ClinVar aggregate classification (germline): Pathogenic/Likely pathogenic. Review status: criteria provided, multiple submitters, no conflicts (2 of 4 stars). 2 submissions from 2 submitters: Pathogenic (1); Likely pathogenic (1). Last evaluated 2025-05-05.

Conditions:
Alstrom syndrome (ALMS). Identifiers: Orphanet 64, MedGen C0268425, MONDO:0008763, OMIM 203800.

Submissions (2):

Natera, Inc.
Classification: Likely pathogenic for Alstrom syndrome. Last evaluated: 2025-05-05. Review status: criteria provided, single submitter. Criteria: Natera Variant Classification Schema (03/2026). Collection method: clinical testing. Allele origin: germline.
Comment: The c.11738delC variant in ALMS1 is a frameshift variant predicted to shift the reading frame beginning at codon 3913 and leads to a stop codon 14 codons downstream. This variant is expected to result in nonsense mediated decay, truncation, or a dysfunctional protein product. This variant is rare in the general population with a frequency below the threshold expected for the associated phenotype(s). Given the available evidence, this variant is classified as Likely Pathogenic.

Labcorp Genetics (formerly Invitae), Labcorp
Classification: Pathogenic for Alstrom syndrome. Last evaluated: 2022-09-06. Review status: criteria provided, single submitter. Criteria: Invitae Variant Classification Sherloc (09022015). Collection method: clinical testing. Allele origin: germline.
Comment: For these reasons, this variant has been classified as Pathogenic. This variant has not been reported in the literature in individuals affected with ALMS1-related conditions. This variant is not present in population databases (gnomAD no frequency). This sequence change creates a premature translational stop signal (p.Pro3913Glnfs*14) in the ALMS1 gene. It is expected to result in an absent or disrupted protein product. Loss-of-function variants in ALMS1 are known to be pathogenic (PMID: 17594715).

Literature cited by the submitters: PubMed 17594715 (cited by Labcorp Genetics (formerly Invitae), Labcorp).

NM_001378454.1(ALMS1):c.11735del (p.Pro3912fs)

Gene: ALMS1 (ALMS1 centrosome and basal body associated protein; plus strand). Cytogenetic location: 2p13.1.
Variant type: Deletion.
Coding change: c.11735del on transcript NM_001378454.1 (MANE Select); coding-DNA position 11735, one base deleted (C; older notation c.11735delC).
Protein change: p.Pro3912fs; shifts the reading frame from proline 3912.
Molecular consequence: frameshift variant.
Genome position (GRCh38, 1-based): chr2:73,600,744, C deleted; the last of 2 consecutive C bases (chr2:73,600,743-73,600,744); deleting either gives the same sequence. VCF-style (leftmost placement, unchanged base first): chr2-73600742-TC-T. GRCh37 (hg19) VCF-style: chr2-73827869-TC-T.
Other names: c.11738delC (NM_015120.4); c.11738del, p.Pro3913fs (NM_015120.4); short protein forms P3912fs, P3913fs.
Identifiers: ClinVar variation 1965242 (VCV001965242.6), dbSNP rs1558711346, ClinGen allele CA2580068171.